The following is an entry in ClinVar:

NM_015631.6(TCTN3):c.873T>A (p.Asp291Glu)

Gene: TCTN3 (tectonic family member 3; minus strand). Cytogenetic location: 10q24.1.
Variant type: single nucleotide variant.
Coding change: c.873T>A on transcript NM_015631.6 (MANE Select); coding-DNA position 873, T replaced by A.
Protein change: p.Asp291Glu; replaces aspartic acid 291 with glutamic acid.
Molecular consequence: missense variant.
Genome position (GRCh38, 1-based): chr10:95,686,510, A>T on the plus strand (T>A on the coding strand, the complement: TCTN3 is on the minus strand). VCF-style: chr10-95686510-A-T. GRCh37 (hg19) VCF-style: chr10-97446267-A-T.
Other names: c.636T>A, p.Asp212Glu (NM_001143973.2); short protein forms D212E, D291E.
Identifiers: ClinVar variation 1484333 (VCV001484333.6), dbSNP rs2139747266, ClinGen allele CA377706343.

ClinVar aggregate classification (germline): Uncertain significance (1 of 4 stars; one submission).

Conditions:
Joubert syndrome 18 (JBTS18). Identifiers: Orphanet 2754, MedGen C3553758, MONDO:0013896, OMIM 614815.
Orofacial-digital syndrome IV (OFD4). Also called: Orofaciodigital syndrome IV; BARAITSER-BURN SYNDROME; MOHR-MAJEWSKI SYNDROME; OFD SYNDROME WITH TIBIAL DEFECTS; OFD SYNDROME, BARAITSER-BURN TYPE; OFDS IV. Identifiers: Orphanet 2753, MedGen C0406727, MONDO:0009794, OMIM 258860.

Submission:

Labcorp Genetics (formerly Invitae), Labcorp
Classification: Uncertain significance for Joubert syndrome 18; Orofacial-digital syndrome IV. Last evaluated: 2022-06-05. Review status: criteria provided, single submitter. Criteria: Invitae Variant Classification Sherloc (09022015). Collection method: clinical testing. Allele origin: germline.
Comment: In summary, the available evidence is currently insufficient to determine the role of this variant in disease. Therefore, it has been classified as a Variant of Uncertain Significance. Algorithms developed to predict the effect of missense changes on protein structure and function (SIFT, PolyPhen-2, Align-GVGD) all suggest that this variant is likely to be tolerated. ClinVar contains an entry for this variant (Variation ID: 1484333). This variant has not been reported in the literature in individuals affected with TCTN3-related conditions. This variant is not present in population databases (gnomAD no frequency). This sequence change replaces aspartic acid, which is acidic and polar, with glutamic acid, which is acidic and polar, at codon 291 of the TCTN3 protein (p.Asp291Glu).